The following is an entry in ClinVar:

NM_031433.4(MFRP):c.657G>T (p.Val219=)

Genes: C1QTNF5 (C1q and TNF related 5; minus strand), MFRP (membrane frizzled-related protein; minus strand). Cytogenetic location: 11q23.3.
Variant type: single nucleotide variant.
Coding change: c.657G>T on transcript NM_031433.4 (MANE Select); coding-DNA position 657, G replaced by T.
Protein change: p.Val219=; no amino-acid change (valine 219 retained).
Molecular consequence: synonymous variant. On other transcripts: 5 prime UTR variant (1).
Genome position (GRCh38, 1-based): chr11:119,344,989, C>A on the plus strand (G>T on the coding strand, the complement: MFRP is on the minus strand). VCF-style: chr11-119344989-C-A. GRCh37 (hg19) VCF-style: chr11-119215699-C-A.
Other names: c.-1980G>T (NM_015645.5).
Identifiers: ClinVar variation 2724419 (VCV002724419.5), dbSNP rs763672504, ClinGen allele CA6320457.

ClinVar aggregate classification (germline): Likely benign. Review status: criteria provided, single submitter (1 of 4 stars). 2 submissions from 2 submitters: Likely benign (1). 1 of the submissions does not count toward it. Last evaluated 2024-06-30.

Conditions:
Isolated microphthalmia 5. Also called: Posterior Microphthalmia with Retinitis Pigmentosa, Foveoschisis, and Optic Disc Drusen. Identifiers: Orphanet 251279, MedGen C1970236, MONDO:0012605, OMIM 611040.
MFRP-related disorder. Also called: MFRP-related condition; MFRP-related disorders.

Allele frequency attached by ClinVar (database versions not stated): ExAC 0.00001; TOPMed 0.00001.
gnomAD v4.1: 3 of 1,605,678 alleles (0.00019%); highest among the groups gnomAD compares: Admixed American, 0.0051%; no homozygotes.

Submissions (2):

Labcorp Genetics (formerly Invitae), Labcorp
Classification: Likely benign for Isolated microphthalmia 5. Last evaluated: 2024-06-30. Review status: criteria provided, single submitter. Criteria: Invitae Variant Classification Sherloc (09022015). Collection method: clinical testing. Allele origin: germline.

PreventionGenetics, part of Exact Sciences
Classification: Likely benign for MFRP-related condition. Last evaluated: 2019-08-01. Review status: no assertion criteria provided. Collection method: clinical testing. Allele origin: germline. Not counted in ClinVar's aggregate classification.
Comment: This variant is classified as likely benign based on ACMG/AMP sequence variant interpretation guidelines (Richards et al. 2015 PMID: 25741868, with internal and published modifications).